The following is an entry in ClinVar:

NM_001364905.1(LRBA):c.6375A>G (p.Thr2125=)

Gene: LRBA (LPS responsive beige-like anchor protein; minus strand). Cytogenetic location: 4q31.3.
Variant type: single nucleotide variant.
Coding change: c.6375A>G on transcript NM_001364905.1 (MANE Select); coding-DNA position 6375, A replaced by G.
Protein change: p.Thr2125=; no amino-acid change (threonine 2125 retained).
Molecular consequence: synonymous variant.
Genome position (GRCh38, 1-based): chr4:150,490,991, T>C on the plus strand (A>G on the coding strand, the complement: LRBA is on the minus strand). VCF-style: chr4-150490991-T-C. GRCh37 (hg19) VCF-style: chr4-151412143-T-C.
Other names: c.6375A>G, p.Thr2125= (NM_001199282.3, NM_001367550.1); c.6408A>G, p.Thr2136= (NM_006726.5).
Identifiers: ClinVar variation 740585 (VCV000740585.34), dbSNP rs541432702, ClinGen allele CA3101955.

ClinVar aggregate classification (germline): Likely benign. Review status: criteria provided, multiple submitters, no conflicts (2 of 4 stars). 2 submissions from 2 submitters: Likely benign (2). Last evaluated 2025-12-03.

Conditions:
Combined immunodeficiency due to LRBA deficiency. Also called: Common variable immunodeficiency 8, with autoimmunity. Identifiers: Orphanet 445018, MedGen C3553512, MONDO:0013863, OMIM 614700.

Allele frequency attached by ClinVar (database versions not stated): gnomAD exomes 0.00004 and 0.00010; gnomAD 0.00005; TOPMed 0.00005; ExAC 0.00007.
gnomAD v4.1: 149 of 1,608,832 alleles (0.0093%); highest among the groups gnomAD compares: Non-Finnish European, 0.012%; no homozygotes.

Submissions (2):

Labcorp Genetics (formerly Invitae), Labcorp
Classification: Likely benign for Combined immunodeficiency due to LRBA deficiency. Last evaluated: 2025-12-03. Review status: criteria provided, single submitter. Criteria: Invitae Variant Classification Sherloc (09022015). Collection method: clinical testing. Allele origin: germline.

CeGaT Center for Human Genetics Tuebingen
Classification: Likely benign. Last evaluated: 2024-12-01. Review status: criteria provided, single submitter. Criteria: CeGaT Center For Human Genetics Tuebingen Variant Classification Criteria Version 2. Collection method: clinical testing. Allele origin: germline. Affected: yes. Observed: 2 variant alleles.
Comment: LRBA: BP4, BP7